The following is an entry in ClinVar:

ClinVar aggregate classification (germline): Pathogenic (1 of 4 stars; one submission).

Conditions:
Kleefstra syndrome 1 (KLEFS1). Identifiers: Orphanet 261494, MedGen C0795833, MONDO:0027407, OMIM 610253.

Submission:

Labcorp Genetics (formerly Invitae), Labcorp
Classification: Pathogenic for Kleefstra syndrome 1. Last evaluated: 2022-06-27. Review status: criteria provided, single submitter. Criteria: Invitae Variant Classification Sherloc (09022015). Collection method: clinical testing. Allele origin: germline.
Comment: This variant is a gross deletion of the genomic region encompassing exon(s) 2-27 of the EHMT1 gene, which includes the termination codon. This deletion extends beyond the assayed region for this gene and therefore may encompass additional genes. While this deletion is not anticipated to lead to nonsense mediated decay, it is expected to alter mRNA translation or result in a truncated protein product. This variant has not been reported in the literature in individuals affected with EHMT1-related conditions. This variant disrupts a region of the EHMT1 protein in which other variant(s) (p.Asn1194Thrfs*38) have been determined to be pathogenic (Invitae). This suggests that this is a clinically significant region of the protein, and that variants that disrupt it are likely to be disease-causing. For these reasons, this variant has been classified as Pathogenic.

NC_000009.11:g.(?_140605399)_(140729425_?)del

Genes: EHMT1 (euchromatic histone lysine methyltransferase 1; plus strand), LOC651337 (uncharacterized LOC651337; minus strand). Cytogenetic location: 9q34.3.
Variant type: Deletion.
Identifiers: ClinVar variation 2426882 (VCV002426882.4).